The following is an entry in ClinVar:

NM_017983.7(WIPI1):c.687G>A (p.Met229Ile)

Genes: ARSG (arylsulfatase G; plus strand), PRKAR1A (protein kinase cAMP-dependent type I regulatory subunit alpha; plus strand), WIPI1 (WD repeat domain, phosphoinositide interacting 1; minus strand). Cytogenetic location: 17q24.2.
Variant type: single nucleotide variant.
Coding change: c.687G>A on transcript NM_017983.7 (MANE Select); coding-DNA position 687, G replaced by A.
Protein change: p.Met229Ile; replaces methionine 229 with isoleucine.
Molecular consequence: missense variant. On other transcripts: non-coding transcript variant (1), intron variant (4).
Genome position (GRCh38, 1-based): chr17:68,434,561, C>T on the plus strand (G>A on the coding strand, the complement: WIPI1 is on the minus strand). VCF-style: chr17-68434561-C-T. GRCh37 (hg19) VCF-style: chr17-66430702-C-T.
Other names: c.441G>A, p.Met147Ile (NM_001320772.2); c.1304-6140C>T (NM_001352910.2); c.*44-6140C>T (NM_001352905.2); c.1256-6140C>T (NM_001352909.2); c.-7+20766C>T (NM_001278433.2); short protein forms M147I, M229I.
Identifiers: ClinVar variation 3045393 (VCV003045393.2), dbSNP rs143014524, ClinGen allele CA8728920.

ClinVar aggregate classification (germline): Likely benign (0 of 4 stars; one submission).

Conditions:
WIPI1-related disorder. Also called: WIPI1-related condition.

Allele frequency attached by ClinVar (database versions not stated): ExAC 0.00016; gnomAD exomes 0.00006; 1000 Genomes Project 30x 0.00016; 1000 Genomes Project 0.00020; ESP Exome Variant Server 0.00038; TOPMed 0.00053; gnomAD 0.00054.
gnomAD v4.1: 172 of 1,613,956 alleles (0.011%); highest among the groups gnomAD compares: African/African-American, 0.21%; no homozygotes.

Submission:

PreventionGenetics, part of Exact Sciences
Classification: Likely benign for WIPI1-related condition. Last evaluated: 2022-04-28. Review status: no assertion criteria provided. Collection method: clinical testing. Allele origin: germline.
Comment: This variant is classified as likely benign based on ACMG/AMP sequence variant interpretation guidelines (Richards et al. 2015 PMID: 25741868, with internal and published modifications).